The following is an entry in ClinVar:

ClinVar aggregate classification (germline): Uncertain significance (1 of 4 stars; one submission).

Submission:

Labcorp Genetics (formerly Invitae), Labcorp
Classification: Uncertain significance. Last evaluated: 2023-10-05. Review status: criteria provided, single submitter. Criteria: Invitae Variant Classification Sherloc (09022015). Collection method: clinical testing. Allele origin: germline.
Comment: This sequence change replaces isoleucine, which is neutral and non-polar, with threonine, which is neutral and polar, at codon 72 of the POLG2 protein (p.Ile72Thr). This variant is not present in population databases (gnomAD no frequency). This variant has not been reported in the literature in individuals affected with POLG2-related conditions. An algorithm developed to predict the effect of missense changes on protein structure and function (PolyPhen-2) suggests that this variant is likely to be tolerated. In summary, the available evidence is currently insufficient to determine the role of this variant in disease. Therefore, it has been classified as a Variant of Uncertain Significance.

NM_007215.4(POLG2):c.215T>C (p.Ile72Thr)

Genes: MILR1 (mast cell immunoglobulin like receptor 1; plus strand), POLG2 (DNA polymerase gamma 2, accessory subunit; minus strand). Cytogenetic location: 17q23.3.
Variant type: single nucleotide variant.
Coding change: c.215T>C on transcript NM_007215.4 (MANE Select); coding-DNA position 215, T replaced by C.
Protein change: p.Ile72Thr; replaces isoleucine 72 with threonine.
Molecular consequence: missense variant.
Genome position (GRCh38, 1-based): chr17:64,496,754, A>G on the plus strand (T>C on the coding strand, the complement: POLG2 is on the minus strand). VCF-style: chr17-64496754-A-G. GRCh37 (hg19) VCF-style: chr17-62492872-A-G.
Other names: short protein forms I72T.
Identifiers: ClinVar variation 2868030 (VCV002868030.3), dbSNP rs2509561083, ClinGen allele CA400641403.